The following is an entry in ClinVar:

NM_004333.6(BRAF):c.1396G>A (p.Gly466Arg)

Gene: BRAF (B-Raf proto-oncogene, serine/threonine kinase; minus strand). Cytogenetic location: 7q34.
Variant type: single nucleotide variant.
Coding change: c.1396G>A on transcript NM_004333.6 (MANE Select); coding-DNA position 1396, G replaced by A.
Protein change: p.Gly466Arg; replaces glycine 466 with arginine.
Molecular consequence: missense variant.
Genome position (GRCh38, 1-based): chr7:140,781,612, C>T on the plus strand (G>A on the coding strand, the complement: BRAF is on the minus strand). VCF-style: chr7-140781612-C-T. GRCh37 (hg19) VCF-style: chr7-140481412-C-T.
Other names: c.1396G>A, p.Gly466Arg (NM_001354609.2, NM_001378468.1, NM_001378474.1); c.1516G>A, p.Gly506Arg (NM_001374244.1, NM_001374258.1); c.1405G>A, p.Gly469Arg (NM_001378467.1); c.1330G>A, p.Gly444Arg (NM_001378469.1); c.1294G>A, p.Gly432Arg (NM_001378470.1); c.1285G>A, p.Gly429Arg (NM_001378471.1); c.1240G>A, p.Gly414Arg (NM_001378472.1, NM_001378473.1); c.1132G>A, p.Gly378Arg (NM_001378475.1); short protein forms G466R, G506R, G444R, G469R, G429R, G378R, G414R, G432R.
Identifiers: ClinVar variation 44801 (VCV000044801.8), dbSNP rs121913353, ClinGen allele CA135079.

ClinVar aggregate classification (germline): Pathogenic/Likely pathogenic. Review status: criteria provided, multiple submitters, no conflicts (2 of 4 stars). 4 submissions from 4 submitters: Pathogenic (3); Likely pathogenic (1). Last evaluated 2025-07-24.

Conditions:
Vascular malformation. Also called: Vascular malformations. Identifiers: MedGen C0158570, MONDO:0024291.
BRAF-related disorder. Also called: BRAF-related condition.
Non-small cell lung carcinoma (NSCLC). Also called: Non-small cell lung cancer. Identifiers: MedGen C0007131, MeSH D002289, MONDO:0005233, HP:0030358. Disease mechanism: Other.

Allele frequency attached by ClinVar (database versions not stated): gnomAD exomes below 0.00001.
gnomAD v4.1: 2 of 1,614,074 alleles (0.00012%); highest among the groups gnomAD compares: Non-Finnish European, 0.00017%; no homozygotes.

Submissions (4):

3billion
Classification: Pathogenic for BRAF-related disorder. Last evaluated: 2025-07-24. Review status: criteria provided, single submitter. Criteria: ACMG Guidelines, 2015. Collection method: clinical testing. Allele origin: germline. Affected: yes.
Comment: The variant is observed at an extremely low frequency in the gnomAD v4.1.0 dataset (total allele frequency: <0.001%). Predicted Consequence/Location: The variant is located in a mutational hot spot and/or well-established functional domain in which established pathogenic variants have been reported (PMID: 29493581, 29493581). Missense variant. Missense changes are a common disease-causing mechanism. In silico tool predictions suggest damaging effect of the variant on gene or gene product [REVEL: 0.96 (>=0.6, sensitivity 0.68 and specificity 0.92); 3Cnet: 1.00 (> 0.75, sensitivity 0.96 and precision 0.92)]. The same nucleotide change resulting in the same amino acid change has been previously reported as pathogenic/likely pathogenic with strong evidence (ClinVar ID: VCV000044801 /PMID: 33040082). Different missense changes at the same codon (p.Gly466Glu, p.Gly466Val) have been reported to be associated with BRAF-related disorder (ClinVar ID: VCV000013967, VCV000376073). Therefore, this variant is classified as Pathogenic according to the recommendation of ACMG/AMP guideline.

Clinical Genomics Laboratory, Washington University in St. Louis
Classification: Pathogenic for Vascular malformation. Last evaluated: 2024-03-08. Review status: criteria provided, single submitter. Criteria: ACMG Guidelines, 2015. Collection method: clinical testing. Allele origin: somatic. Affected: yes.
Comment: A BRAF c.1396G>A (p.Gly466Arg) variant was identified at an allelic fraction consistent with somatic origin. This variant has been reported in the ClinVar database as likely pathogenic in the somatic state by one submitter (ClinVar Variation ID: 44801). This variant resides within a P-loop, amino acids 459-474, of BRAF that is defined as a critical functional domain (Gelb BD et al., PMID: 29493581). Computational predictors indicate that the variant is damaging, evidence that correlates with impact to BRAF function. In support of this prediction, functional studies demonstrate that cells overexpressing BRAF with the p.Gly466Arg variant displayed increased Erk phosphorylation (Houben R et al., PMID: 15046639) and that this variant is inactivating (Ng PK et al., PMID: 29533785). The BRAF gene is defined by the ClinGen's RASopathy expert panel as a gene that has a low rate of benign missense variation and where pathogenic missense variants are a common mechanism of disease (Gelb BD et al., PMID: 29493581). The same amino acid change (p.Gly466Arg), resulting from a different nucleotide change, c.1396G>C, has been reported and is considered pathogenic (ClinVar Variation ID: 2501901). Based on an internally developed protocol informed by the ACMG/AMP guidelines (Richards S et al., PMID: 25741868) and gene-specific practices from the ClinGen Criteria Specification Registry, the BRAF c.1396G>A (p.Gly466Arg) variant is classified as pathogenic.

Laboratory for Molecular Medicine, Mass General Brigham Personalized Medicine
Classification: Likely pathogenic for Non-small cell lung carcinoma. Last evaluated: 2010-08-20. Review status: criteria provided, single submitter. Criteria: LMM Criteria. Collection method: clinical testing. Allele origin: somatic. Observed: 1 variant allele.
Comment: The Gly466Arg variant has been previously reported in the literature in two mela nomas (due to a different nucleotide change, 1396G>C, Kumar 2003, Houben 2004). In one of these tumors, a second variant in NRAS was observed . Different amino acid changes at this position have also been reported (Gly466Val, Gly466Ala, Gl y466Glu, COSMIC).

ARUP Laboratories, Molecular Genetics and Genomics, ARUP Laboratories
Classification: Pathogenic. Review status: criteria provided, single submitter. Criteria: ARUP Molecular Germline Variant Investigation Process 2024. Collection method: clinical testing. Allele origin: germline.
Comment: The BRAF c.1396G>A; p.Gly466Arg variant (rs121913353, ClinVar Variation ID: 44801) is reported in the literature in an individual with clinical features of a Rasopathy disorder (Lee 2021). This variant is absent from the Genome Aggregation Database (v2.1.1), indicating it is not a common polymorphism. Computational analyses predict that this variant is deleterious (REVEL: 0.963). Additionally, another variant leading to the same amino acid change (c.1396G>C; p.Gly466Arg) has been reported de novo in a fetus with features of cardiofaciocutaneous syndrome and was considered disease-causing (Biard 2019). Functional analysis of the p.Gly466Arg variant, also published as G465R, demonstrates association with increased Erk phosphorylation compared to wildtype BRAF (Houben 2004). Based on available information, the c.1396G>A; p.Gly466Arg variant is considered to be pathogenic. References: Biard JM et al. Antenatal diagnosis of cardio-facio-cutaneous syndrome: Prenatal characteristics and contribution of fetal facial dysmorphic signs in utero. About a case and review of literature. Eur J Obstet Gynecol Reprod Biol. 2019 Sep;240:232-241. PMID: 31336229. Houben R et al. Constitutive activation of the Ras-Raf signaling pathway in metastatic melanoma is associated with poor prognosis. J Carcinog. 2004 Mar 26;3:6. PMID: 15046639. Lee Y et al. Clinical and molecular spectra of BRAF-associated RASopathy. J Hum Genet. 2021 Apr;66(4):389-399. PMID: 33040082.

Literature cited by the submitters: PubMed 33040082 (cited by 3billion); PubMed 14681681 (cited by Laboratory for Molecular Medicine, Mass General Brigham Personalized Medicine); PubMed 15046639 (cited by Laboratory for Molecular Medicine, Mass General Brigham Personalized Medicine).